The following is an entry in ClinVar:

ClinVar aggregate classification (germline): Uncertain significance. Review status: criteria provided, multiple submitters, no conflicts (2 of 4 stars). 2 submissions from 2 submitters: Uncertain significance (2). Last evaluated 2025-08-25.

Conditions:
Hereditary cancer-predisposing syndrome. Also called: Neoplastic Syndromes, Hereditary; Tumor predisposition; Hereditary Cancer Syndrome; Hereditary neoplastic syndrome. Identifiers: Orphanet 140162, MedGen C0027672, MeSH D009386, MONDO:0015356.
Retinoblastoma (RB1). Also called: RETINOBLASTOMA, SOMATIC. Identifiers: Orphanet 790, MedGen C0035335, MeSH D012175, MONDO:0008380, OMIM 180200, HP:0009919. Disease mechanism: loss of function. Inheritance: Both sporadic and heritable forms are tested..

Submissions (2):

Labcorp Genetics (formerly Invitae), Labcorp
Classification: Uncertain significance for Retinoblastoma. Last evaluated: 2025-08-25. Review status: criteria provided, single submitter. Criteria: Invitae Variant Classification Sherloc (09022015). Collection method: clinical testing. Allele origin: germline.
Comment: This sequence change replaces methionine, which is neutral and non-polar, with threonine, which is neutral and polar, at codon 233 of the RB1 protein (p.Met233Thr). This variant is not present in population databases (gnomAD no frequency). This variant has not been reported in the literature in individuals affected with RB1-related conditions. ClinVar contains an entry for this variant (Variation ID: 1756471). Invitae Evidence Modeling of protein sequence and biophysical properties (such as structural, functional, and spatial information, amino acid conservation, physicochemical variation, residue mobility, and thermodynamic stability) indicates that this missense variant is not expected to disrupt RB1 protein function with a negative predictive value of 80%. In summary, the available evidence is currently insufficient to determine the role of this variant in disease. Therefore, it has been classified as a Variant of Uncertain Significance.

Ambry Genetics
Classification: Uncertain significance for Hereditary cancer-predisposing syndrome. Last evaluated: 2021-09-22. Review status: criteria provided, single submitter. Criteria: Ambry Variant Classification Scheme 2023. Collection method: clinical testing. Allele origin: germline.
Comment: The p.M233T variant (also known as c.698T>C), located in coding exon 7 of the RB1 gene, results from a T to C substitution at nucleotide position 698. The methionine at codon 233 is replaced by threonine, an amino acid with similar properties. This amino acid position is poorly conserved in available vertebrate species. In addition, this alteration is predicted to be tolerated by in silico analysis. Since supporting evidence is limited at this time, the clinical significance of this alteration remains unclear.

NM_000321.3(RB1):c.698T>C (p.Met233Thr)

Gene: RB1 (RB transcriptional corepressor 1; plus strand). Cytogenetic location: 13q14.2.
Variant type: single nucleotide variant.
Coding change: c.698T>C on transcript NM_000321.3 (MANE Select); coding-DNA position 698, T replaced by C.
Protein change: p.Met233Thr; replaces methionine 233 with threonine.
Molecular consequence: missense variant.
Genome position (GRCh38, 1-based): chr13:48,360,107, T>C. VCF-style: chr13-48360107-T-C. GRCh37 (hg19) VCF-style: chr13-48934243-T-C.
Other names: c.698T>C, p.Met233Thr (NM_001407165.1, NM_001407166.1); short protein forms M233T.
Identifiers: ClinVar variation 1756471 (VCV001756471.3), dbSNP rs2542178738, ClinGen allele CA388158547.